The following is an entry in ClinVar:

NM_000388.4(CASR):c.1842C>T (p.Ile614=)

Gene: CASR (calcium sensing receptor; plus strand). Cytogenetic location: 3q21.1.
Variant type: single nucleotide variant.
Coding change: c.1842C>T on transcript NM_000388.4 (MANE Select); coding-DNA position 1842, C replaced by T.
Protein change: p.Ile614=; no amino-acid change (isoleucine 614 retained).
Molecular consequence: synonymous variant.
Genome position (GRCh38, 1-based): chr3:122,283,796, C>T. VCF-style: chr3-122283796-C-T. GRCh37 (hg19) VCF-style: chr3-122002643-C-T.
Other names: c.1872C>T (NM_001178065.1); c.1872C>T, p.Ile624= (NM_001178065.2).
Identifiers: ClinVar variation 1100692 (VCV001100692.12), dbSNP rs199513106, ClinGen allele CA2569751.

ClinVar aggregate classification (germline): Likely benign. Review status: criteria provided, multiple submitters, no conflicts (2 of 4 stars). 3 submissions from 3 submitters: Likely benign (3). Last evaluated 2026-03-25.

Conditions:
Familial hypocalciuric hypercalcemia (FHH). Also called: Familial benign hypercalcemia. Identifiers: Orphanet 405, MedGen C1809471, MONDO:0018458.
Autosomal dominant hypocalcemia 1 (HYPOC1). Also called: HYPOCALCEMIA, FAMILIAL. Identifiers: MedGen C3715128, MONDO:0011013, OMIM 601198.
CASR-related disorder. Also called: CASR-related condition.
Nephrolithiasis/nephrocalcinosis. Identifiers: MedGen CN580796.

Allele frequency attached by ClinVar (database versions not stated): ExAC 0.00002; gnomAD exomes 0.00002.

Submissions (3):

PreventionGenetics, part of Exact Sciences
Classification: Likely benign for CASR-related condition. Last evaluated: 2026-03-25. Review status: criteria provided, single submitter. Criteria: ACMG Guidelines, 2015. Collection method: clinical testing. Allele origin: germline.
Comment: This variant is classified as likely benign based on ACMG/AMP sequence variant interpretation guidelines (Richards et al. 2015 PMID: 25741868, with internal and published modifications).

Labcorp Genetics (formerly Invitae), Labcorp
Classification: Likely benign for Familial hypocalciuric hypercalcemia; Autosomal dominant hypocalcemia 1. Last evaluated: 2024-09-01. Review status: criteria provided, single submitter. Criteria: Invitae Variant Classification Sherloc (09022015). Collection method: clinical testing. Allele origin: germline.

Ambry Genetics
Classification: Likely benign for Nephrolithiasis/nephrocalcinosis. Last evaluated: 2022-07-27. Review status: criteria provided, single submitter. Criteria: Ambry Variant Classification Scheme 2023. Collection method: clinical testing. Allele origin: germline.